The following is an entry in ClinVar:

NM_004239.4(TRIP11):c.107A>T (p.Asp36Val)

Gene: TRIP11 (thyroid hormone receptor interactor 11; minus strand). Cytogenetic location: 14q32.12.
Variant type: single nucleotide variant.
Coding change: c.107A>T on transcript NM_004239.4 (MANE Select); coding-DNA position 107, A replaced by T.
Protein change: p.Asp36Val; replaces aspartic acid 36 with valine.
Molecular consequence: missense variant.
Genome position (GRCh38, 1-based): chr14:92,039,579, T>A on the plus strand (A>T on the coding strand, the complement: TRIP11 is on the minus strand). VCF-style: chr14-92039579-T-A. GRCh37 (hg19) VCF-style: chr14-92505923-T-A.
Other names: c.107A>T, p.Asp36Val (NM_001321851.1); short protein forms D36V.
Identifiers: ClinVar variation 314981 (VCV000314981.23), dbSNP rs186074112, ClinGen allele CA7314302.
Genomic context (GRCh38, chr14:92,039,579, plus strand): 5'-CCCTCCCTTCCCTCGCTCCAGCTGTTACCTTCCACTTCCTCCGTGCCCTCCATCAGCATA[T>A]CCTTTGTAAAGTTTGATATCTGGCCAGTGAGGGAAGCCAGGCTGCCCCCGACTTGACCCA-3'
Protein context (NP_004230.2, residues 26-46): LTGQISNFTK[Asp36Val]MLMEGTEEVE

ClinVar aggregate classification (germline): Benign/Likely benign. Review status: criteria provided, multiple submitters, no conflicts (2 of 4 stars). 7 submissions from 7 submitters: Benign (2); Likely benign (4). 1 of the submissions does not count toward it. Last evaluated 2026-01-26.

Conditions:
Connective tissue disorder. Also called: Connective tissue disease. Identifiers: MedGen C0009782, MONDO:0003900.
Odontochondrodysplasia 1. Identifiers: Orphanet 166272, MedGen C5542277, MONDO:0100325, OMIM 184260.
Achondrogenesis, type IA (ACG1A). Identifiers: Orphanet 932, Orphanet 93299, MedGen C0265273, MONDO:0008701, OMIM 200600.
TRIP11-related disorder. Also called: TRIP11-related condition; TRIP11-Related Disorders.

Allele frequency attached by ClinVar (database versions not stated): 1000 Genomes Project 0.00280; gnomAD 0.00026 and 0.00040; gnomAD exomes 0.00026 and 0.00086; TOPMed 0.00032; ExAC 0.00083; 1000 Genomes Project 30x 0.00250.
gnomAD v4.1: 461 of 1,613,928 alleles (0.029%); highest among the groups gnomAD compares: East Asian, 0.9%; 2 homozygotes.

Submissions (13):

Labcorp Genetics (formerly Invitae), Labcorp
Classification: Benign for Achondrogenesis, type IA. Last evaluated: 2026-01-26. Review status: criteria provided, single submitter. Criteria: Invitae Variant Classification Sherloc (09022015). Collection method: clinical testing. Allele origin: germline.

ARUP Laboratories, Molecular Genetics and Genomics, ARUP Laboratories
Classification: Likely benign. Last evaluated: 2024-01-31. Review status: criteria provided, single submitter. Criteria: ARUP Molecular Germline Variant Investigation Process 2024. Collection method: clinical testing. Allele origin: germline.

Genome Diagnostics Laboratory, The Hospital for Sick Children
Classification: Likely benign for Connective tissue disorder. Last evaluated: 2022-02-24. Review status: criteria provided, single submitter. Criteria: ACMG Guidelines, 2015. Collection method: clinical testing. Allele origin: germline.

Fulgent Genetics
Classification: Likely benign for Odontochondrodysplasia 1; Achondrogenesis, type IA. Last evaluated: 2021-10-14. Review status: criteria provided, single submitter. Criteria: ACMG Guidelines, 2015. Collection method: clinical testing. Allele origin: unknown.

Illumina Laboratory Services, Illumina
Classification: Benign for Achondrogenesis, type IA. Last evaluated: 2018-01-13. Review status: criteria provided, single submitter. Criteria: ICSL Variant Classification Criteria 13 December 2019. Collection method: clinical testing. Allele origin: germline.
Comment: This variant was observed in the ICSL laboratory as part of a predisposition screen in an ostensibly healthy population. It had not been previously curated by ICSL or reported in the Human Gene Mutation Database (HGMD: prior to June 1st, 2018), and was therefore a candidate for classification through an automated scoring system. Utilizing variant allele frequency, disease prevalence and penetrance estimates, and inheritance mode, an automated score was calculated to assess if this variant is too frequent to cause the disease. Based on the score and internal cut-off values, a variant classified as benign is not then subjected to further curation. The score for this variant resulted in a classification of benign for this disease.

GeneDx
Classification: Likely benign. Last evaluated: 2017-12-18. Review status: criteria provided, single submitter. Criteria: GeneDx Variant Classification (06012015). Collection method: clinical testing. Allele origin: germline. Affected: yes.
Comment: This variant is considered likely benign or benign based on one or more of the following criteria: it is a conservative change, it occurs at a poorly conserved position in the protein, it is predicted to be benign by multiple in silico algorithms, and/or has population frequency not consistent with disease.

PreventionGenetics, part of Exact Sciences
Classification: Benign for TRIP11-related condition. Last evaluated: 2019-03-18. Review status: no assertion criteria provided. Collection method: clinical testing. Allele origin: germline. Not counted in ClinVar's aggregate classification.
Comment: This variant is classified as benign based on ACMG/AMP sequence variant interpretation guidelines (Richards et al. 2015 PMID: 25741868, with internal and published modifications).

Dr. Peter K. Rogan Lab, Western University
No classification provided (evidence only). Condition: Gastric cancer. Review status: no classification provided. Collection method: in vitro. Allele origin: not applicable. Functional consequence: retained intron. Not counted in ClinVar's aggregate classification.

Dr. Peter K. Rogan Lab, Western University
No classification provided (evidence only). Condition: Cervical cancer. Review status: no classification provided. Collection method: in vitro. Allele origin: not applicable. Functional consequence: retained intron. Not counted in ClinVar's aggregate classification.

Dr. Peter K. Rogan Lab, Western University
No classification provided (evidence only). Condition: Hepatocellular carcinoma. Review status: no classification provided. Collection method: in vitro. Allele origin: not applicable. Functional consequence: retained intron. Not counted in ClinVar's aggregate classification.

Dr. Peter K. Rogan Lab, Western University
No classification provided (evidence only). Condition: Hepatocellular carcinoma. Review status: no classification provided. Collection method: in vitro. Allele origin: not applicable. Functional consequence: retained intron. Not counted in ClinVar's aggregate classification.

Dr. Peter K. Rogan Lab, Western University
No classification provided (evidence only). Condition: Hepatocellular carcinoma. Review status: no classification provided. Collection method: in vitro. Allele origin: not applicable. Functional consequence: retained intron. Not counted in ClinVar's aggregate classification.

Dr. Peter K. Rogan Lab, Western University
No classification provided (evidence only). Condition: Gastric cancer. Review status: no classification provided. Collection method: in vitro. Allele origin: not applicable. Functional consequence: retained intron. Not counted in ClinVar's aggregate classification.